The following is an entry in ClinVar:

ClinVar aggregate classification (germline): Uncertain significance. Review status: criteria provided, multiple submitters, no conflicts (2 of 4 stars). 2 submissions from 2 submitters: Uncertain significance (2). Last evaluated 2026-08-22.

Conditions:
Dilated cardiomyopathy 1DD (CMD1DD). Identifiers: Orphanet 154, MedGen C2750995, MONDO:0013168, OMIM 613172.
Cardiovascular phenotype. Identifiers: MedGen CN230736.

Allele frequency attached by ClinVar (database versions not stated): gnomAD exomes below 0.00001.
gnomAD v4.1: 3 of 1,526,848 alleles (0.0002%); highest among the groups gnomAD compares: Non-Finnish European, 0.00018%; no homozygotes.

Submissions (2):

Ambry Genetics
Classification: Uncertain significance for Cardiovascular phenotype. Last evaluated: 2026-08-22. Review status: criteria provided, single submitter. Criteria: Ambry Variant Classification Scheme 2023. Collection method: clinical testing. Allele origin: germline.
Comment: The p.G40A variant (also known as c.119G>C), located in coding exon 1 of the RBM20 gene, results from a G to C substitution at nucleotide position 119. The glycine at codon 40 is replaced by alanine, an amino acid with similar properties. This amino acid position is conserved. In addition, the in silico prediction for this alteration is inconclusive. Based on the available evidence, the clinical significance of this variant remains unclear.

Labcorp Genetics (formerly Invitae), Labcorp
Classification: Uncertain significance for Dilated cardiomyopathy 1DD. Last evaluated: 2021-10-17. Review status: criteria provided, single submitter. Criteria: Invitae Variant Classification Sherloc (09022015). Collection method: clinical testing. Allele origin: germline.
Comment: This sequence change replaces glycine with alanine at codon 40 of the RBM20 protein (p.Gly40Ala). The glycine residue is weakly conserved and there is a small physicochemical difference between glycine and alanine. The frequency data for this variant in the population databases is considered unreliable, as metrics indicate insufficient coverage at this position in the ExAC database. This variant has not been reported in the literature in individuals affected with RBM20-related conditions. Advanced modeling of protein sequence and biophysical properties (such as structural, functional, and spatial information, amino acid conservation, physicochemical variation, residue mobility, and thermodynamic stability) performed at Invitae indicates that this missense variant is not expected to disrupt RBM20 protein function. In summary, the available evidence is currently insufficient to determine the role of this variant in disease. Therefore, it has been classified as a Variant of Uncertain Significance.

NM_001134363.3(RBM20):c.119G>C (p.Gly40Ala)

Gene: RBM20 (RNA binding motif protein 20; plus strand). Cytogenetic location: 10q25.2.
Variant type: single nucleotide variant.
Coding change: c.119G>C on transcript NM_001134363.3 (MANE Select); coding-DNA position 119, G replaced by C.
Protein change: p.Gly40Ala; replaces glycine 40 with alanine.
Molecular consequence: missense variant.
Genome position (GRCh38, 1-based): chr10:110,644,573, G>C. VCF-style: chr10-110644573-G-C. GRCh37 (hg19) VCF-style: chr10-112404331-G-C.
Other names: c.119G>C (NM_001134363.1); short protein forms G40A.
Identifiers: ClinVar variation 1446962 (VCV001446962.7), dbSNP rs2134792879, ClinGen allele CA378527731.